The following is an entry in ClinVar:

NC_000019.9:g.(?_11134174)_(11144896_?)dup

Gene: SMARCA4 (SWI/SNF related BAF chromatin remodeling complex subunit ATPase 4; plus strand). Cytogenetic location: 19p13.2.
Variant type: Duplication.
Identifiers: ClinVar variation 2423778 (VCV002423778.4).

ClinVar aggregate classification (germline): Uncertain significance (1 of 4 stars; one submission).

Conditions:
Rhabdoid tumor predisposition syndrome 2 (RTPS2). Identifiers: Orphanet 231108, Orphanet 69077, MedGen C2750074, MONDO:0013224, OMIM 613325.

Submission:

Labcorp Genetics (formerly Invitae), Labcorp
Classification: Uncertain significance for Rhabdoid tumor predisposition syndrome 2. Last evaluated: 2022-04-24. Review status: criteria provided, single submitter. Criteria: Invitae Variant Classification Sherloc (09022015). Collection method: clinical testing. Allele origin: germline.
Comment: In summary, the available evidence is currently insufficient to determine the role of this variant in disease. Therefore, it has been classified as a Variant of Uncertain Significance. Experimental studies and prediction algorithms are not available or were not evaluated, and the functional significance of this variant is currently unknown. This variant has not been reported in the literature in individuals affected with SMARCA4-related conditions. This variant results in a copy number gain of the genomic region encompassing exon(s) 20-28 of the SMARCA4 gene. While the exact position of this variant cannot be determined from the data, sub-genic copy number gains are generally in tandem (PMID: 25640679). This variant is predicted to be in-frame, and likely preserves the integrity of the reading frame.

Literature cited by the submitters: PubMed 25640679.